The following is an entry in ClinVar:

ClinVar aggregate classification (germline): Uncertain significance (1 of 4 stars; one submission).

Allele frequency attached by ClinVar (database versions not stated): gnomAD 0.00001.
gnomAD v4.1: 1 of 1,605,206 alleles (0.000062%); highest among the groups gnomAD compares: African/African-American, 0.0013%; no homozygotes.

Submission:

Labcorp Genetics (formerly Invitae), Labcorp
Classification: Uncertain significance. Last evaluated: 2022-06-27. Review status: criteria provided, single submitter. Criteria: Invitae Variant Classification Sherloc (09022015). Collection method: clinical testing. Allele origin: germline.
Comment: This sequence change affects codon 619 of the CDH23 mRNA. It is a 'silent' change, meaning that it does not change the encoded amino acid sequence of the CDH23 protein. It affects a nucleotide within the consensus splice site. This variant is present in population databases (no rsID available, gnomAD 0.01%). This variant has not been reported in the literature in individuals affected with CDH23-related conditions. Algorithms developed to predict the effect of sequence changes on RNA splicing suggest that this variant is not likely to affect RNA splicing. In summary, the available evidence is currently insufficient to determine the role of this variant in disease. Therefore, it has been classified as a Variant of Uncertain Significance.

NM_022124.6(CDH23):c.1857A>C (p.Gly619=)

Gene: CDH23 (cadherin related 23; plus strand). Cytogenetic location: 10q22.1.
Variant type: single nucleotide variant.
Coding change: c.1857A>C on transcript NM_022124.6 (MANE Select); coding-DNA position 1857, A replaced by C.
Protein change: p.Gly619=; no amino-acid change (glycine 619 retained).
Molecular consequence: synonymous variant.
Genome position (GRCh38, 1-based): chr10:71,679,491, A>C. VCF-style: chr10-71679491-A-C. GRCh37 (hg19) VCF-style: chr10-73439248-A-C.
Other names: c.1857A>C, p.Gly619= (NM_001171930.2, NM_001171931.2).
Identifiers: ClinVar variation 1523304 (VCV001523304.3), dbSNP rs1273733233, ClinGen allele CA470059120.
Genomic context (GRCh38, chr10:71,679,491, plus strand): 5'-CATTGTCAGTGCATCTGCCTTTGGCAGCTACTTCGACATCAGCCTGTACGAGGGCTATGG[A>C]GGTAGGTGTGGGGCAGAACTCGGGGCCCAGCCAGGAGGAGGGCTGGGGGGCTCTCTGCAC-3'
Protein context (NP_071407.4, residues 609-629): YFDISLYEGY[Gly619=]VISVSRPLDY